The following is an entry in ClinVar:

ClinVar aggregate classification (germline): Benign/Likely benign. Review status: criteria provided, multiple submitters, no conflicts (2 of 4 stars). 2 submissions from 2 submitters: Benign (1); Likely benign (1). Last evaluated 2025-02-16.

Conditions:
MELAS syndrome (MELAS). Also called: Juvenile myopathy, encephalopathy, lactic acidosis, stroke. Identifiers: Orphanet 550, MedGen C0162671, MONDO:0010789, OMIM 540000.

Submissions (2):

Laboratory of Genetics, Children's Clinical University Hospital Latvia
Classification: Likely benign. Last evaluated: 2025-02-16. Review status: criteria provided, single submitter. Criteria: ACMG Guidelines, 2015. Collection method: clinical testing. Allele origin: germline. Affected: yes.

Wong Mito Lab, Molecular and Human Genetics, Baylor College of Medicine
Classification: Benign for MELAS syndrome. Last evaluated: 2019-07-12. Review status: criteria provided, single submitter. Criteria: Modified ACMG Guidelines (Unpublished). Collection method: clinical testing. Allele origin: germline.
Comment: The NC_012920.1:m.10463T>C variant in MT-TR gene is interpreted to be a Benign variant based on the modified ACMG guidelines (unpublished). This variant meets the following evidence codes reported in the guidelines: BA1, BP4

Literature cited by the submitters: PubMed 31965079 (cited by Wong Mito Lab, Molecular and Human Genetics, Baylor College of Medicine).

NC_012920.1(MT-TR):m.10463T>C

Gene: MT-TR (mitochondrially encoded tRNA arginine; plus strand).
Variant type: single nucleotide variant.
Genome position: chrM-10463-T-C.
Identifiers: ClinVar variation 690128 (VCV000690128.2), dbSNP rs28358279, ClinGen allele CA337098849.